The following is an entry in ClinVar:

NM_181840.1(KCNK18):c.-1G>A

Gene: KCNK18 (potassium two pore domain channel subfamily K member 18; plus strand). Cytogenetic location: 10q25.3.
Variant type: single nucleotide variant.
Coding change: c.-1G>A on transcript NM_181840.1 (MANE Select); 1 bases upstream of the start codon, G replaced by A.
Genome position (GRCh38, 1-based): chr10:117,197,488, G>A. VCF-style: chr10-117197488-G-A. GRCh37 (hg19) VCF-style: chr10-118956999-G-A.
Identifiers: ClinVar variation 3039667 (VCV003039667.2), dbSNP rs372388073, ClinGen allele CA5709850.

ClinVar aggregate classification (germline): Likely benign (0 of 4 stars; one submission).

Conditions:
KCNK18-related disorder. Also called: KCNK18-related condition.

Allele frequency attached by ClinVar (database versions not stated): ESP Exome Variant Server 0.00008; gnomAD exomes 0.00008; gnomAD 0.00009; TOPMed 0.00015; ExAC 0.00036; 1000 Genomes Project 0.00040; 1000 Genomes Project 30x 0.00062.

Submission:

PreventionGenetics, part of Exact Sciences
Classification: Likely benign for KCNK18-related condition. Last evaluated: 2019-05-22. Review status: no assertion criteria provided. Collection method: clinical testing. Allele origin: germline.
Comment: This variant is classified as likely benign based on ACMG/AMP sequence variant interpretation guidelines (Richards et al. 2015 PMID: 25741868, with internal and published modifications).